The following is an entry in ClinVar:

ClinVar aggregate classification (germline): Conflicting classifications of pathogenicity. Review status: criteria provided, conflicting classifications (1 of 4 stars). 5 submissions from 5 submitters: Uncertain significance (3); Likely benign (2). Last evaluated 2024-12-23.

Conditions:
Inborn genetic diseases. Identifiers: MedGen C0950123, MeSH D030342.
Landau-Kleffner syndrome (FESD). Also called: APHASIA, ACQUIRED, WITH EPILEPSY; EPILEPSY, FOCAL, WITH SPEECH DISORDER AND WITH OR WITHOUT MENTAL RETARDATION. Identifiers: Orphanet 1945, Orphanet 725, Orphanet 98818, MedGen C0282512, MONDO:0009509, OMIM 245570.

Allele frequency attached by ClinVar (database versions not stated): TOPMed 0.00006; ESP Exome Variant Server 0.00015.
gnomAD v4.1: 16 of 1,614,088 alleles (0.00099%); highest among the groups gnomAD compares: African/African-American, 0.017%; no homozygotes.

Submissions (5):

Labcorp Genetics (formerly Invitae), Labcorp
Classification: Likely benign for Landau-Kleffner syndrome. Last evaluated: 2024-12-23. Review status: criteria provided, single submitter. Criteria: Invitae Variant Classification Sherloc (09022015). Collection method: clinical testing. Allele origin: germline.

Ambry Genetics
Classification: Likely benign for Inborn genetic diseases. Last evaluated: 2023-11-22. Review status: criteria provided, single submitter. Criteria: Ambry Variant Classification Scheme 2023. Collection method: clinical testing. Allele origin: germline.

Revvity Omics, Revvity
Classification: Uncertain significance for Landau-Kleffner syndrome. Last evaluated: 2022-08-31. Review status: criteria provided, single submitter. Criteria: ACMG Guidelines, 2015. Collection method: clinical testing. Allele origin: germline.

GeneDx
Classification: Uncertain significance. Last evaluated: 2021-11-01. Review status: criteria provided, single submitter. Criteria: GeneDx Variant Classification Process June 2021. Collection method: clinical testing. Allele origin: germline. Affected: yes.
Comment: In silico analysis supports that this missense variant has a deleterious effect on protein structure/function; Has not been previously published as pathogenic or benign to our knowledge; This variant is associated with the following publications: (PMID: 27839871)

Blueprint Genetics
Classification: Uncertain significance. Last evaluated: 2019-11-15. Review status: criteria provided, single submitter. Criteria: ACMG Guidelines, 2015. Collection method: clinical testing. Allele origin: germline.

NM_001134407.3(GRIN2A):c.2494C>T (p.Leu832Phe)

Gene: GRIN2A (glutamate ionotropic receptor NMDA type subunit 2A; minus strand). Cytogenetic location: 16p13.2.
Variant type: single nucleotide variant.
Coding change: c.2494C>T on transcript NM_001134407.3 (MANE Select); coding-DNA position 2494, C replaced by T.
Protein change: p.Leu832Phe; replaces leucine 832 with phenylalanine.
Molecular consequence: missense variant.
Genome position (GRCh38, 1-based): chr16:9,768,952, G>A on the plus strand (C>T on the coding strand, the complement: GRIN2A is on the minus strand). VCF-style: chr16-9768952-G-A. GRCh37 (hg19) VCF-style: chr16-9862809-G-A.
Other names: c.2494C>T, p.Leu832Phe (NM_000833.5, NM_001134408.2); short protein forms L832F.
Identifiers: ClinVar variation 1000233 (VCV001000233.14), dbSNP rs145495027, ClinGen allele CA277546480.